The following is an entry in ClinVar:

ClinVar aggregate classification (germline): Uncertain significance (1 of 4 stars; one submission).

Submission:

Labcorp Genetics (formerly Invitae), Labcorp
Classification: Uncertain significance. Last evaluated: 2023-09-20. Review status: criteria provided, single submitter. Criteria: Invitae Variant Classification Sherloc (09022015). Collection method: clinical testing. Allele origin: germline.
Comment: In summary, the available evidence is currently insufficient to determine the role of this variant in disease. Therefore, it has been classified as a Variant of Uncertain Significance. Advanced modeling of protein sequence and biophysical properties (such as structural, functional, and spatial information, amino acid conservation, physicochemical variation, residue mobility, and thermodynamic stability) performed at Invitae indicates that this missense variant is not expected to disrupt LBR protein function. This variant has not been reported in the literature in individuals affected with LBR-related conditions. This variant is not present in population databases (gnomAD no frequency). This sequence change replaces valine, which is neutral and non-polar, with methionine, which is neutral and non-polar, at codon 462 of the LBR protein (p.Val462Met).

NM_002296.4(LBR):c.1384G>A (p.Val462Met)

Gene: LBR (lamin B receptor; minus strand). Cytogenetic location: 1q42.12.
Variant type: single nucleotide variant.
Coding change: c.1384G>A on transcript NM_002296.4 (MANE Select); coding-DNA position 1384, G replaced by A.
Protein change: p.Val462Met; replaces valine 462 with methionine.
Molecular consequence: missense variant.
Genome position (GRCh38, 1-based): chr1:225,406,763, C>T on the plus strand (G>A on the coding strand, the complement: LBR is on the minus strand). VCF-style: chr1-225406763-C-T. GRCh37 (hg19) VCF-style: chr1-225594465-C-T.
Other names: c.1384G>A, p.Val462Met (NM_194442.3); short protein forms V462M.
Identifiers: ClinVar variation 2711865 (VCV002711865.3), dbSNP rs372303989, ClinGen allele CA344994416.